The following is an entry in ClinVar:

ClinVar aggregate classification (germline): Uncertain significance (1 of 4 stars; one submission).

Conditions:
Osteogenesis imperfecta type I (OI1). Also called: Lobstein disease; OI, TYPE I; OSTEOGENESIS IMPERFECTA TARDA; OSTEOGENESIS IMPERFECTA WITH BLUE SCLERAE; Osteogenesis imperfecta type 1; Lobstein's Disease. Identifiers: Orphanet 216796, Orphanet 666, MedGen C0023931, MONDO:0008146, OMIM 166200. Disease mechanism: loss of function.
Ehlers-Danlos syndrome, classic type, 1 (EDSCL1). Also called: EDS I; EHLERS-DANLOS SYNDROME, GRAVIS TYPE; EHLERS-DANLOS SYNDROME, SEVERE CLASSIC TYPE; Ehlers-Danlos syndrome, type 1; Ehlers-Danlos Syndrome, Classic Type, COL5A1-Related. Identifiers: MedGen C0268335, MONDO:0019567, OMIM 130000.

Submission:

Labcorp Genetics (formerly Invitae), Labcorp
Classification: Uncertain significance for Osteogenesis imperfecta type I; Ehlers-Danlos syndrome, classic type, 1. Last evaluated: 2023-09-29. Review status: criteria provided, single submitter. Criteria: Invitae Variant Classification Sherloc (09022015). Collection method: clinical testing. Allele origin: germline.
Comment: In summary, the available evidence is currently insufficient to determine the role of this variant in disease. Therefore, it has been classified as a Variant of Uncertain Significance. Advanced modeling of protein sequence and biophysical properties (such as structural, functional, and spatial information, amino acid conservation, physicochemical variation, residue mobility, and thermodynamic stability) performed at Invitae indicates that this missense variant is not expected to disrupt COL1A2 protein function. This variant has not been reported in the literature in individuals affected with COL1A2-related conditions. This variant is not present in population databases (gnomAD no frequency). This sequence change replaces proline, which is neutral and non-polar, with serine, which is neutral and polar, at codon 116 of the COL1A2 protein (p.Pro116Ser).

NM_000089.4(COL1A2):c.346C>T (p.Pro116Ser)

Gene: COL1A2 (collagen type I alpha 2 chain; plus strand). Cytogenetic location: 7q21.3.
Variant type: single nucleotide variant.
Coding change: c.346C>T on transcript NM_000089.4 (MANE Select); coding-DNA position 346, C replaced by T.
Protein change: p.Pro116Ser; replaces proline 116 with serine.
Molecular consequence: missense variant.
Genome position (GRCh38, 1-based): chr7:94,404,714, C>T. VCF-style: chr7-94404714-C-T. GRCh37 (hg19) VCF-style: chr7-94034026-C-T.
Other names: short protein forms P116S.
Identifiers: ClinVar variation 2952303 (VCV002952303.3), dbSNP rs532334520, ClinGen allele CA368219566.
Genomic context (GRCh38, chr7:94,404,714, plus strand): 5'-AATAAAGGCTTGGAGTATGACATTCTTTTTTTCTTTTAGGGCCCTCAAGGTTTCCAAGGA[C>T]CTGCTGGTGAGCCTGGTGAACCTGGTCAAACTGTGAGTACATTTTTCCACCTTTGTGATA-3'
Protein context (NP_000080.2, residues 106-126): GAPGPQGFQG[Pro116Ser]AGEPGEPGQT